The following is an entry in ClinVar:

ClinVar aggregate classification (germline): Likely pathogenic (1 of 4 stars; one submission).

Conditions:
Cone-rod dystrophy 13 (CORD13). Identifiers: Orphanet 1872, MedGen C2750720, MONDO:0011987, OMIM 608194.
Leber congenital amaurosis 6 (LCA6). Identifiers: Orphanet 65, MedGen C1854260, MONDO:0013446, OMIM 613826.

Submission:

Labcorp Genetics (formerly Invitae), Labcorp
Classification: Likely pathogenic for Leber congenital amaurosis 6; Cone-rod dystrophy 13. Last evaluated: 2022-10-19. Review status: criteria provided, single submitter. Criteria: Invitae Variant Classification Sherloc (09022015). Collection method: clinical testing. Allele origin: germline.
Comment: In summary, the currently available evidence indicates that the variant is pathogenic, but additional data are needed to prove that conclusively. Therefore, this variant has been classified as Likely Pathogenic. A similar copy number variant has been observed in individual(s) with retinitis pigmentosa (Invitae). This variant results in a copy number gain of the genomic region encompassing exon(s) 19 of the RPGRIP1 gene. While the exact position of this variant cannot be determined from the data, sub-genic copy number gains are generally in tandem (PMID: 25640679). This variant is predicted to be out-of-frame, and may result in an absent or disrupted protein product. Loss-of-function variants in RPGRIP1 are known to be pathogenic (PMID: 11528500, 23105016).

Literature cited by the submitters: PubMed 25640679; PubMed 11528500; PubMed 23105016.

NC_000014.8:g.(?_21798388)_(21798566_?)dup

Gene: RPGRIP1 (RPGR interacting protein 1; plus strand). Cytogenetic location: 14q11.2.
Variant type: Duplication.
Identifiers: ClinVar variation 1522745 (VCV001522745.5).